The following is an entry in ClinVar:

NM_025114.4(CEP290):c.7031_7034+7delinsAT

Gene: CEP290 (centrosomal protein 290; minus strand). Cytogenetic location: 12q21.32.
Variant type: Indel.
Coding change: c.7031_7034+7delinsAT on transcript NM_025114.4 (MANE Select); coding-DNA position 7031 through 7 bases into the intron after coding-DNA position 7034, TTAGGTACATC replaced by AT.
Molecular consequence: splice donor variant.
Genome position (GRCh38, 1-based): chr12:88,054,333-88,054,343, GATGTACCTAA replaced by AT on the plus strand (TTAGGTACATC replaced by AT on the coding strand, the reverse complement: CEP290 is on the minus strand). VCF-style: chr12-88054333-GATGTACCTAA-AT. GRCh37 (hg19) VCF-style: chr12-88448110-GATGTACCTAA-AT.
Identifiers: ClinVar variation 2935451 (VCV002935451.4), dbSNP rs2499443322, ClinGen allele CA2695217073.
Genomic context (GRCh38, chr12:88,054,333, plus strand): 5'-TATATAAAAACTAATAATTTTTTTTTTAAAGAAAAAAACAAAGTAGTCATATGAATACAT[GATGTACCTAA>AT]GAACTTGAAGCTCCCGTTTAAGGCCTTGCTCTGTCTCAGCACCTTCAGGAACATGTTTAA-3'

ClinVar aggregate classification (germline): Pathogenic/Likely pathogenic. Review status: criteria provided, multiple submitters, no conflicts (2 of 4 stars). 2 submissions from 2 submitters: Pathogenic (1); Likely pathogenic (1). Last evaluated 2024-03-12.

Conditions:
Joubert syndrome. Also called: CEREBELLOPARENCHYMAL DISORDER IV; JOUBERT-BOLTSHAUSER SYNDROME; Familial aplasia of the vermis. Identifiers: Orphanet 475, MedGen C5979921, MONDO:0018772.
Nephronophthisis. Also called: Juvenile Nephronophthisis. Identifiers: Orphanet 655, MedGen C0687120, MONDO:0019005, HP:0000090.
Meckel-Gruber syndrome. Also called: DYSENCEPHALIA SPLANCHNOCYSTICA; GRUBER SYNDROME; Dysencephalia splachnocystica. Identifiers: Orphanet 564, MedGen C0265215, MONDO:0018921.
Bardet-Biedl syndrome 14 (BBS14). Identifiers: Orphanet 110, MedGen C2673874, MONDO:0014442, OMIM 615991.

Submissions (2):

Baylor Genetics
Classification: Likely pathogenic for Bardet-Biedl syndrome 14. Last evaluated: 2024-03-12. Review status: criteria provided, single submitter. Criteria: ACMG Guidelines, 2015. Collection method: clinical testing. Allele origin: unknown.

Labcorp Genetics (formerly Invitae), Labcorp
Classification: Pathogenic for Joubert syndrome; Meckel-Gruber syndrome; Nephronophthisis. Last evaluated: 2021-05-13. Review status: criteria provided, single submitter. Criteria: Invitae Variant Classification Sherloc (09022015). Collection method: clinical testing. Allele origin: germline.
Comment: For these reasons, this variant has been classified as Pathogenic. Algorithms developed to predict the effect of sequence changes on RNA splicing suggest that this variant may disrupt the consensus splice site, but this prediction has not been confirmed by published transcriptional studies. This variant has been observed in individual(s) with retinitis pigmentosa (Invitae). In at least one individual the data is consistent with the variant being in trans (on the opposite chromosome) from a pathogenic variant. This variant is not present in population databases (ExAC no frequency). This variant results in the deletion of part of exon 51 (c.7031_7034+7delinsAT) of the CEP290 gene. It is expected to disrupt RNA splicing. Variants that disrupt the donor or acceptor splice site typically lead to a loss of protein function (PMID: 16199547), and loss-of-function variants in CEP290 are known to be pathogenic (PMID: 16909394, 17345604, 20690115).

Literature cited by the submitters: PubMed 16199547 (cited by Labcorp Genetics (formerly Invitae), Labcorp); PubMed 16909394 (cited by Labcorp Genetics (formerly Invitae), Labcorp); PubMed 17345604 (cited by Labcorp Genetics (formerly Invitae), Labcorp); PubMed 20690115 (cited by Labcorp Genetics (formerly Invitae), Labcorp).